The following is an entry in ClinVar:

NM_014140.4(SMARCAL1):c.1673G>A (p.Arg558Lys)

Gene: SMARCAL1 (SNF2 related chromatin remodeling annealing helicase 1; plus strand). Cytogenetic location: 2q35.
Variant type: single nucleotide variant.
Coding change: c.1673G>A on transcript NM_014140.4 (MANE Select); coding-DNA position 1673, G replaced by A.
Protein change: p.Arg558Lys; replaces arginine 558 with lysine.
Molecular consequence: missense variant.
Genome position (GRCh38, 1-based): chr2:216,438,448, G>A. VCF-style: chr2-216438448-G-A. GRCh37 (hg19) VCF-style: chr2-217303171-G-A.
Other names: c.1673G>A, p.Arg558Lys (NM_001127207.2); short protein forms R558K.
Identifiers: ClinVar variation 4771032 (VCV004771032.1).

ClinVar aggregate classification (germline): Uncertain significance (1 of 4 stars; one submission).

Conditions:
Schimke immuno-osseous dysplasia (SIOD). Also called: Schimke Immunoosseous Dysplasia. Identifiers: Orphanet 1830, MedGen C0877024, MONDO:0009458, OMIM 242900.

Submission:

Labcorp Genetics (formerly Invitae), Labcorp
Classification: Uncertain significance for Schimke immuno-osseous dysplasia. Last evaluated: 2025-10-06. Review status: criteria provided, single submitter. Criteria: Invitae Variant Classification Sherloc (09022015). Collection method: clinical testing. Allele origin: germline.
Comment: This sequence change replaces arginine, which is basic and polar, with lysine, which is basic and polar, at codon 558 of the SMARCAL1 protein (p.Arg558Lys). This variant is not present in population databases (gnomAD no frequency). This variant has not been reported in the literature in individuals affected with SMARCAL1-related conditions. Invitae Evidence Modeling of protein sequence and biophysical properties (such as structural, functional, and spatial information, amino acid conservation, physicochemical variation, residue mobility, and thermodynamic stability) indicates that this missense variant is not expected to disrupt SMARCAL1 protein function with a negative predictive value of 80%. In summary, the available evidence is currently insufficient to determine the role of this variant in disease. Therefore, it has been classified as a Variant of Uncertain Significance.